The following is an entry in ClinVar:

NM_005188.4(CBL):c.2206A>G (p.Asn736Asp)

Gene: CBL (Cbl proto-oncogene; plus strand). Cytogenetic location: 11q23.3.
Variant type: single nucleotide variant.
Coding change: c.2206A>G on transcript NM_005188.4 (MANE Select); coding-DNA position 2206, A replaced by G.
Protein change: p.Asn736Asp; replaces asparagine 736 with aspartic acid.
Molecular consequence: missense variant.
Genome position (GRCh38, 1-based): chr11:119,297,436, A>G. VCF-style: chr11-119297436-A-G. GRCh37 (hg19) VCF-style: chr11-119168146-A-G.
Other names: p.N736D:AAT>GAT; short protein forms N736D.
Identifiers: ClinVar variation 40417 (VCV000040417.11), dbSNP rs397507497, ClinGen allele CA282043.

ClinVar aggregate classification (germline): Conflicting classifications of pathogenicity. Review status: criteria provided, conflicting classifications (1 of 4 stars). 4 submissions from 4 submitters: Uncertain significance (2); Likely benign (2). Last evaluated 2025-12-13.

Conditions:
RASopathy. Also called: rasopathies; Noonan spectrum disorder. Identifiers: Orphanet 536391, MedGen C5555857, MONDO:0021060.

Allele frequency attached by ClinVar (database versions not stated): gnomAD 0.00003 and 0.00004; gnomAD exomes 0.00002 and 0.00001; TOPMed 0.00002; ExAC 0.00002.
gnomAD v4.1: 32 of 1,613,794 alleles (0.002%); highest among the groups gnomAD compares: African/African-American, 0.0053%; no homozygotes.

Submissions (4):

Labcorp Genetics (formerly Invitae), Labcorp
Classification: Likely benign for RASopathy. Last evaluated: 2025-12-13. Review status: criteria provided, single submitter. Criteria: Invitae Variant Classification Sherloc (09022015). Collection method: clinical testing. Allele origin: germline.

Blueprint Genetics
Classification: Uncertain significance. Last evaluated: 2020-11-25. Review status: criteria provided, single submitter. Criteria: ACMG Guidelines, 2015. Collection method: clinical testing. Allele origin: germline.

Laboratory for Molecular Medicine, Mass General Brigham Personalized Medicine
Classification: Uncertain significance. Last evaluated: 2018-02-28. Review status: criteria provided, single submitter. Criteria: LMM Criteria. Collection method: clinical testing. Allele origin: germline.
Comment: Disclaimer: This variant has not undergone full assessment. The following are preliminary notes: 2/246114 total chr in GnomAd; LB by geneDx in ClinVar - no data; not in HGMD or google search; predicted benign.

GeneDx
Classification: Likely benign. Last evaluated: 2012-01-24. Review status: criteria provided, single submitter. Criteria: GeneDx Variant Classification (06012015). Collection method: clinical testing. Allele origin: germline. Affected: yes.
Comment: This variant is considered likely benign or benign based on one or more of the following criteria: it is a conservative change, it occurs at a poorly conserved position in the protein, it is predicted to be benign by multiple in silico algorithms, and/or has population frequency not consistent with disease.